The following is an entry in ClinVar:

ClinVar aggregate classification (germline): Likely pathogenic (1 of 4 stars; one submission).

Conditions:
Polycystic kidney disease 3 with or without polycystic liver disease. Also called: Polycystic kidney disease 3; POLYCYSTIC KIDNEY DISEASE, ADULT, TYPE III; Polycystic Kidney and/or Polycystic Liver Disease 3. Identifiers: MedGen C3887964, MONDO:0010916, OMIM 600666.

gnomAD v4.1: 1 of 1,614,120 alleles (0.000062%); highest among the groups gnomAD compares: Non-Finnish European, 0.000085%; no homozygotes.

Submission:

Juno Genomics, Hangzhou Juno Genomics, Inc
Classification: Likely pathogenic for Polycystic kidney disease 3 with or without polycystic liver disease. Review status: criteria provided, single submitter. Criteria: ACMG Guidelines, 2015. Collection method: clinical testing. Allele origin: germline.
Comment: Null variant in a gene where loss of function (LOF) is a known mechanism of disease.;Absent from controls (or at extremely low frequency if recessive) in Genome Aggregation Database.

NM_198334.3(GANAB):c.1432C>T (p.Arg478Ter)

Gene: GANAB (glucosidase II alpha subunit; minus strand). Cytogenetic location: 11q12.3.
Variant type: single nucleotide variant.
Coding change: c.1432C>T on transcript NM_198334.3 (MANE Select); coding-DNA position 1432, C replaced by T.
Protein change: p.Arg478Ter; replaces arginine 478 with a stop codon.
Molecular consequence: nonsense.
Genome position (GRCh38, 1-based): chr11:62,630,460, G>A on the plus strand (C>T on the coding strand, the complement: GANAB is on the minus strand). VCF-style: chr11-62630460-G-A. GRCh37 (hg19) VCF-style: chr11-62397932-G-A.
Other names: c.1156C>T, p.Arg386Ter (NM_001278192.2); c.1090C>T, p.Arg364Ter (NM_001278193.2); c.1141C>T, p.Arg381Ter (NM_001278194.2, NM_001329222.2, NM_001329223.2); c.709C>T, p.Arg237Ter (NM_001329224.2, NM_001329225.2); c.1498C>T, p.Arg500Ter (NM_198335.4); short protein forms R237*, R386*, R478*, R364*, R381*, R500*.
Identifiers: ClinVar variation 5007886 (VCV005007886.2).
Genomic context (GRCh38, chr11:62,630,460, plus strand): 5'-AGTCAGAGCCATCCCGGGTTTTAACATACAGCCCCAGGTTCCGCAGCTCCTCGTGAACTC[G>A]GTAGCCGGAGTCCACCTTGATGTGGGGGTCTACGATGGCCACCAGCTGGGGGCAAGGAAC-3'